The following is an entry in ClinVar:

NM_021072.4(HCN1):c.192TGGCGGCGG[4] (p.Gly69_Gly74dup)

Gene: HCN1 (hyperpolarization activated cyclic nucleotide gated potassium channel 1; minus strand). Cytogenetic location: 5p12.
Variant type: Microsatellite.
Coding change: c.192TGGCGGCGG[4] on transcript NM_021072.4 (MANE Select); four copies in a row of the 9-base unit TGGCGGCGG starting at c.192; the reference has two copies in a row; two copies, 18 bases duplicated; also written c.192_209dup.
Protein change: p.Gly69_Gly74dup.
Molecular consequence: inframe insertion.
Genome position (GRCh38, 1-based): chr5:45,695,885-45,695,902, CCGCCGCCACCGCCGCCA duplicated on the plus strand (TGGCGGCGGTGGCGGCGG on the coding strand, the reverse complement: HCN1 is on the minus strand); duplicating any 18 consecutive bases within chr5:45,695,885-45,695,908 gives the same sequence; the position shown is the placement nearest the transcript's 3' end. VCF-style (leftmost placement, unchanged base first): chr5-45695884-G-GCCGCCGCCACCGCCGCCA. GRCh37 (hg19) VCF-style: chr5-45695986-G-GCCGCCGCCACCGCCGCCA.
Other names: c.192_209dup (NM_021072.3).
Identifiers: ClinVar variation 1374613 (VCV001374613.8), dbSNP rs56064803, ClinGen allele CA559801771.
Genomic context (GRCh38, chr5:45,695,884, plus strand): 5'-CTGCCGCCGGGGCCCCTCGGCGTCTTCGAAGCCCCCCGCCGGCTCCTCGCCGCCGCCGCC[G>GCCGCCGCCACCGCCGCCA]CCGCCGCCACCGCCGCCACCGCCGTCCACCTTGAAGCACACGGAGTTGCCGTGCTCCTTC-3'

ClinVar aggregate classification (germline): Uncertain significance. Review status: criteria provided, multiple submitters, no conflicts (2 of 4 stars). 2 submissions from 2 submitters: Uncertain significance (2). Last evaluated 2026-02-20.

Conditions:
Early-infantile DEE. Also called: Ohtahara syndrome; Early infantile epileptic encephalopathy with suppression bursts; Early infantile epileptic encephalopathy. Identifiers: Orphanet 1934, MedGen C0393706, MONDO:0800491.

Submissions (2):

GeneDx
Classification: Uncertain significance. Last evaluated: 2026-02-20. Review status: criteria provided, single submitter. Criteria: GeneDx Variant Classification Process June 2021. Collection method: clinical testing. Allele origin: germline.
Comment: In-frame duplication of 6 amino acid(s) in a repetitive region with no known function; Has not been previously published as pathogenic or benign to our knowledge

Labcorp Genetics (formerly Invitae), Labcorp
Classification: Uncertain significance for Early-infantile DEE. Last evaluated: 2023-03-17. Review status: criteria provided, single submitter. Criteria: Invitae Variant Classification Sherloc (09022015). Collection method: clinical testing. Allele origin: germline.
Comment: This variant has been observed in at least one individual who was not affected with HCN1-related conditions (Invitae). This variant has not been reported in the literature in individuals affected with HCN1-related conditions. The frequency data for this variant in the population databases is considered unreliable, as metrics indicate poor data quality at this position in the gnomAD database. This variant, c.192_209dup, results in the insertion of 6 amino acid(s) of the HCN1 protein (p.Gly69_Gly74dup), but otherwise preserves the integrity of the reading frame. Experimental studies and prediction algorithms are not available or were not evaluated, and the functional significance of this variant is currently unknown. In summary, the available evidence is currently insufficient to determine the role of this variant in disease. Therefore, it has been classified as a Variant of Uncertain Significance.